The following is an entry in ClinVar:

NM_002087.4(GRN):c.1663C>G (p.Arg555Gly)

Gene: GRN (granulin precursor; plus strand). Cytogenetic location: 17q21.31.
Variant type: single nucleotide variant.
Coding change: c.1663C>G on transcript NM_002087.4 (MANE Select); coding-DNA position 1663, C replaced by G.
Protein change: p.Arg555Gly; replaces arginine 555 with glycine.
Molecular consequence: missense variant.
Genome position (GRCh38, 1-based): chr17:44,352,679, C>G. VCF-style: chr17-44352679-C-G. GRCh37 (hg19) VCF-style: chr17-42430047-C-G.
Other names: short protein forms R555G.
Identifiers: ClinVar variation 4795010 (VCV004795010.1).

ClinVar aggregate classification (germline): Uncertain significance (1 of 4 stars; one submission).

Conditions:
Neuronal ceroid lipofuscinosis 11. Also called: GRN-Related Neuronal Ceroid-Lipofuscinosis. Identifiers: Orphanet 314629, Orphanet 79262, MedGen C3539123, MONDO:0013866, OMIM 614706.
GRN-related frontotemporal lobar degeneration with Tdp43 inclusions (FTD2). Also called: DEMENTIA, HEREDITARY DYSPHASIC DISINHIBITION; FRONTOTEMPORAL LOBAR DEGENERATION WITH UBIQUITIN-POSITIVE INCLUSIONS; FTLD-TDP, GRN-RELATED; GRN Frontotemporal Dementia; FRONTOTEMPORAL DEMENTIA WITH TDP43 INCLUSIONS, GRN-RELATED. Identifiers: Orphanet 100070, Orphanet 282, MedGen C1843792, MONDO:0011842, OMIM 607485. Disease mechanism: loss of function.

gnomAD v4.1: 1 of 1,610,026 alleles (0.000062%); highest among the groups gnomAD compares: Admixed American, 0.0017%; no homozygotes.

Submission:

Labcorp Genetics (formerly Invitae), Labcorp
Classification: Uncertain significance for Neuronal ceroid lipofuscinosis 11; GRN-related frontotemporal lobar degeneration with Tdp43 inclusions. Last evaluated: 2025-11-01. Review status: criteria provided, single submitter. Criteria: Invitae Variant Classification Sherloc (09022015). Collection method: clinical testing. Allele origin: germline.
Comment: This sequence change replaces arginine, which is basic and polar, with glycine, which is neutral and non-polar, at codon 555 of the GRN protein (p.Arg555Gly). This variant is present in population databases (no rsID available, gnomAD 0.006%). This variant has not been reported in the literature in individuals affected with GRN-related conditions. Invitae Evidence Modeling of protein sequence and biophysical properties (such as structural, functional, and spatial information, amino acid conservation, physicochemical variation, residue mobility, and thermodynamic stability) indicates that this missense variant is not expected to disrupt GRN protein function with a negative predictive value of 80%. In summary, the available evidence is currently insufficient to determine the role of this variant in disease. Therefore, it has been classified as a Variant of Uncertain Significance.